The following is an entry in ClinVar:

ClinVar aggregate classification (germline): Uncertain significance (1 of 4 stars; one submission).

Allele frequency attached by ClinVar (database versions not stated): gnomAD exomes 0.00001; TOPMed 0.00005; gnomAD 0.00009.
gnomAD v4.1: 19 of 1,614,050 alleles (0.0012%); highest among the groups gnomAD compares: Admixed American, 0.032%; no homozygotes.

Submission:

Labcorp Genetics (formerly Invitae), Labcorp
Classification: Uncertain significance. Last evaluated: 2022-08-15. Review status: criteria provided, single submitter. Criteria: Invitae Variant Classification Sherloc (09022015). Collection method: clinical testing. Allele origin: germline.
Comment: This sequence change replaces serine, which is neutral and polar, with glycine, which is neutral and non-polar, at codon 2841 of the MYO15A protein (p.Ser2841Gly). This variant is present in population databases (no rsID available, gnomAD 0.02%). This variant has not been reported in the literature in individuals affected with MYO15A-related conditions. Advanced modeling of protein sequence and biophysical properties (such as structural, functional, and spatial information, amino acid conservation, physicochemical variation, residue mobility, and thermodynamic stability) performed at Invitae indicates that this missense variant is not expected to disrupt MYO15A protein function. In summary, the available evidence is currently insufficient to determine the role of this variant in disease. Therefore, it has been classified as a Variant of Uncertain Significance.

NM_016239.4(MYO15A):c.8521A>G (p.Ser2841Gly)

Gene: MYO15A (myosin XVA; plus strand). Cytogenetic location: 17p11.2.
Variant type: single nucleotide variant.
Coding change: c.8521A>G on transcript NM_016239.4 (MANE Select); coding-DNA position 8521, A replaced by G.
Protein change: p.Ser2841Gly; replaces serine 2841 with glycine.
Molecular consequence: missense variant.
Genome position (GRCh38, 1-based): chr17:18,156,256, A>G. VCF-style: chr17-18156256-A-G. GRCh37 (hg19) VCF-style: chr17-18059570-A-G.
Other names: short protein forms S2841G.
Identifiers: ClinVar variation 1951917 (VCV001951917.2), dbSNP rs1472957803, ClinGen allele CA398628399.